The following is an entry in ClinVar:

ClinVar aggregate classification (germline): Uncertain significance (1 of 4 stars; one submission).

Conditions:
Primary ciliary dyskinesia. Also called: Ciliary dyskinesia. Identifiers: Orphanet 244, MedGen C0008780, MONDO:0016575, HP:0012265.

gnomAD v4.1: 3 of 1,610,542 alleles (0.00019%); highest among the groups gnomAD compares: Non-Finnish European, 0.00025%; no homozygotes.

Submission:

Labcorp Genetics (formerly Invitae), Labcorp
Classification: Uncertain significance for Primary ciliary dyskinesia. Last evaluated: 2021-04-15. Review status: criteria provided, single submitter. Criteria: Invitae Variant Classification Sherloc (09022015). Collection method: clinical testing. Allele origin: germline.
Comment: In summary, the available evidence is currently insufficient to determine the role of this variant in disease. Therefore, it has been classified as a Variant of Uncertain Significance. Algorithms developed to predict the effect of missense changes on protein structure and function (SIFT, PolyPhen-2, Align-GVGD) all suggest that this variant is likely to be tolerated, but these predictions have not been confirmed by published functional studies and their clinical significance is uncertain. This variant has not been reported in the literature in individuals with DNAAF3-related conditions. This variant is not present in population databases (ExAC no frequency). This sequence change replaces alanine with threonine at codon 315 of the DNAAF3 protein (p.Ala315Thr). The alanine residue is moderately conserved and there is a small physicochemical difference between alanine and threonine.

NM_001256715.2(DNAAF3):c.739G>A (p.Ala247Thr)

Genes: DNAAF3 (dynein axonemal assembly factor 3; minus strand), DNAAF3-AS1 (DNAAF3 antisense RNA 1; plus strand). Cytogenetic location: 19q13.42.
Variant type: single nucleotide variant.
Coding change: c.739G>A on transcript NM_001256715.2 (MANE Select); coding-DNA position 739, G replaced by A.
Protein change: p.Ala247Thr; replaces alanine 247 with threonine.
Molecular consequence: missense variant.
Genome position (GRCh38, 1-based): chr19:55,161,343, C>T on the plus strand (G>A on the coding strand, the complement: DNAAF3 is on the minus strand). VCF-style: chr19-55161343-C-T. GRCh37 (hg19) VCF-style: chr19-55672711-C-T.
Other names: c.943G>A, p.Ala315Thr (NM_001256714.1); c.577G>A, p.Ala193Thr (NM_001256716.2); c.880G>A, p.Ala294Thr (NM_178837.4); short protein forms A315T, A193T, A247T, A294T.
Identifiers: ClinVar variation 1487723 (VCV001487723.8), dbSNP rs2085827314, ClinGen allele CA407453559.